The following is an entry in ClinVar:

NM_004064.5(CDKN1B):c.285del (p.Gly97fs)

Gene: CDKN1B (cyclin dependent kinase inhibitor 1B; plus strand). Cytogenetic location: 12p13.1.
Variant type: Deletion.
Coding change: c.285del on transcript NM_004064.5 (MANE Select); coding-DNA position 285, one base deleted (C; older notation c.285delC).
Protein change: p.Gly97fs; shifts the reading frame from glycine 97.
Molecular consequence: frameshift variant.
Genome position (GRCh38, 1-based): chr12:12,718,124, C deleted; the last of 6 consecutive C bases (chr12:12,718,119-12,718,124); deleting any one gives the same sequence. VCF-style (leftmost placement, unchanged base first): chr12-12718118-GC-G. GRCh37 (hg19) VCF-style: chr12-12871052-GC-G.
Other names: c.285delC (NM_004064.3); short protein forms G97fs.
Identifiers: ClinVar variation 2819739 (VCV002819739.4), dbSNP rs1555085575, ClinGen allele CA478845511.

ClinVar aggregate classification (germline): Pathogenic. Review status: criteria provided, multiple submitters, no conflicts (2 of 4 stars). 2 submissions from 2 submitters: Pathogenic (2). Last evaluated 2025-10-27.

Conditions:
Hereditary cancer-predisposing syndrome. Also called: Neoplastic Syndromes, Hereditary; Hereditary Cancer Syndrome; Hereditary neoplastic syndrome; Tumor predisposition. Identifiers: Orphanet 140162, MedGen C0027672, MeSH D009386, MONDO:0015356.
Multiple endocrine neoplasia type 4. Also called: MULTIPLE ENDOCRINE NEOPLASIA, TYPE IV. Identifiers: Orphanet 276152, MedGen C1970712, MONDO:0012552, OMIM 610755.

Submissions (2):

Labcorp Genetics (formerly Invitae), Labcorp
Classification: Pathogenic for Multiple endocrine neoplasia type 4. Last evaluated: 2025-10-27. Review status: criteria provided, single submitter. Criteria: Invitae Variant Classification Sherloc (09022015). Collection method: clinical testing. Allele origin: germline.
Comment: This sequence change creates a premature translational stop signal (p.Gly97Valfs*22) in the CDKN1B gene. It is expected to result in an absent or disrupted protein product. Loss-of-function variants in CDKN1B are known to be pathogenic (PMID: 17030811, 24819502). This variant is not present in population databases (gnomAD no frequency). This variant has not been reported in the literature in individuals affected with CDKN1B-related conditions. ClinVar contains an entry for this variant (Variation ID: 2819739). For these reasons, this variant has been classified as Pathogenic.

Ambry Genetics
Classification: Pathogenic for Hereditary cancer-predisposing syndrome. Last evaluated: 2025-09-05. Review status: criteria provided, single submitter. Criteria: Ambry Variant Classification Scheme 2023. Collection method: clinical testing. Allele origin: germline.
Comment: The c.285delC pathogenic mutation, located in coding exon 1 of the CDKN1B gene, results from a deletion of one nucleotide at nucleotide position 285, causing a translational frameshift with a predicted alternate stop codon (p.G97Vfs*22). This variant is considered to be rare based on population cohorts in the Genome Aggregation Database (gnomAD). This alteration is expected to result in loss of function by premature protein truncation or nonsense-mediated mRNA decay. As such, this alteration is interpreted as a disease-causing mutation.

Literature cited by the submitters: PubMed 17030811 (cited by Labcorp Genetics (formerly Invitae), Labcorp); PubMed 24819502 (cited by Labcorp Genetics (formerly Invitae), Labcorp).